The following is an entry in ClinVar:

NM_001457.4(FLNB):c.7472_7473del (p.Glu2491fs)

Genes: FLNB (filamin B; plus strand), FLNB-AS1 (FLNB antisense RNA 1; minus strand). Cytogenetic location: 3p14.3.
Variant type: Deletion.
Coding change: c.7472_7473del on transcript NM_001457.4 (MANE Select); coding-DNA positions 7472 to 7473, 2 bases deleted (AG; older notation c.7472_7473delAG).
Protein change: p.Glu2491fs; shifts the reading frame from glutamic acid 2491.
Molecular consequence: frameshift variant.
Genome position (GRCh38, 1-based): chr3:58,169,644-58,169,645, AG deleted; deleting any 2 consecutive bases within chr3:58,169,643-58,169,645 gives the same sequence; the c. name uses the placement nearest the transcript's 3' end. VCF-style (leftmost placement, unchanged base first): chr3-58169642-GGA-G. GRCh37 (hg19) VCF-style: chr3-58155369-GGA-G.
Other names: c.7565_7566del, p.Glu2522fs (NM_001164317.2); c.7439_7440del, p.Glu2480fs (NM_001164318.2); c.7400_7401del, p.Glu2467fs (NM_001164319.2); short protein forms E2467fs, E2491fs, E2522fs, E2480fs.
Identifiers: ClinVar variation 1453267 (VCV001453267.6), dbSNP rs2107344308, ClinGen allele CA2573137406.

ClinVar aggregate classification (germline): Pathogenic (1 of 4 stars; one submission).

Submission:

Labcorp Genetics (formerly Invitae), Labcorp
Classification: Pathogenic. Last evaluated: 2021-08-13. Review status: criteria provided, single submitter. Criteria: Invitae Variant Classification Sherloc (09022015). Collection method: clinical testing. Allele origin: germline.
Comment: This sequence change creates a premature translational stop signal (p.Glu2491Valfs*12) in the FLNB gene. It is expected to result in an absent or disrupted protein product. Loss-of-function variants in FLNB are known to be pathogenic (PMID: 14991055). This variant is not present in population databases (ExAC no frequency). This variant has not been reported in the literature in individuals with FLNB-related conditions. Algorithms developed to predict the effect of sequence changes on RNA splicing suggest that this variant may create or strengthen a splice site, but this prediction has not been confirmed by published transcriptional studies. For these reasons, this variant has been classified as Pathogenic.

Literature cited by the submitters: PubMed 14991055.